The following is an entry in ClinVar:

NM_002185.5(IL7R):c.394C>T (p.Pro132Ser)

Gene: IL7R (interleukin 7 receptor; plus strand). Cytogenetic location: 5p13.2.
Variant type: single nucleotide variant.
Coding change: c.394C>T on transcript NM_002185.5 (MANE Select); coding-DNA position 394, C replaced by T.
Protein change: p.Pro132Ser; replaces proline 132 with serine.
Molecular consequence: missense variant. On other transcripts: non-coding transcript variant (1).
Genome position (GRCh38, 1-based): chr5:35,871,070, C>T. VCF-style: chr5-35871070-C-T. GRCh37 (hg19) VCF-style: chr5-35871172-C-T.
Other names: NM_002185.5(IL7R):c.394C>T; p.Pro132Ser; short protein forms P132S.
Identifiers: ClinVar variation 14843 (VCV000014843.3), dbSNP rs104893894, ClinGen allele CA124399.

ClinVar aggregate classification (germline): Likely pathogenic. Review status: reviewed by expert panel (3 of 4 stars). 2 submissions from 2 submitters: Likely pathogenic (1). 1 of the submissions does not count toward it. Last evaluated 2024-01-24.

Conditions:
Immunodeficiency 104. Also called: Severe combined immunodeficiency, autosomal recessive, T cell-negative, B cell-positive, NK cell-positive; SCID, AUTOSOMAL RECESSIVE, T CELL-NEGATIVE, B CELL-POSITIVE, NK CELL-POSITIVE; Severe Combined Immune Deficiency, Autosomal Recessive, TCell -Negative, B Cell-Positive, NK Cell-Positive, IL7R-Related; IMMUNODEFICIENCY 104, SEVERE COMBINED. Identifiers: MedGen C5676890, MONDO:0012163, OMIM 608971.

Allele frequency attached by ClinVar (database versions not stated): gnomAD exomes below 0.00001; ExAC 0.00001.
gnomAD v4.1: 1 of 1,612,922 alleles (0.000062%); highest among the groups gnomAD compares: Admixed American, 0.0017%; no homozygotes.

Submissions (2):

ClinGen Severe Combined Immunodeficiency Variant Curation Expert Panel, ClinGen
Classification: Likely pathogenic for Immunodeficiency 104. Last evaluated: 2024-01-24. Review status: reviewed by expert panel. Criteria: ClinGen SCID ACMG Specifications IL7R V1.0.0. Collection method: curation. Allele origin: germline. Inheritance: Autosomal recessive inheritance.
Comment: NM_002185.5(IL7R):c.394C>T is a missense variant predicted to cause substitution of Proline by Serine at amino acid 132 (p.Pro132Ser). The highest population minor allele frequency in gnomAD v2.1.1 is 0.00002236 (1/44718) in Admixed American population which is lower than the ClinGen SCID VCEP threshold (<0.00004129) for PM2_Supporting, meeting this criterion (PM2_Supporting). 3 patients (PMID: 11023514) were found homozygous for this mutation (1 pt.) (PM3_met). 2 patients (Pt. 85 and 86) were found homozygous for this mutation in a consanguineous family (PMID : 35482138). 3 patients with SCID (0.5 pt.), genome sequencing conducted (0.5 pt.),T-B+NK+ lymphocyte subset profile (0.25 pt.) (Total : 1.25 pts) (PMID: 11023514,PP4_met). In response to IL-7 stimulation, Jak-3 phosphorylation was markedly reduced in both patient cells as well as in COS cells reconstituted with mutant IL-7R. (PMID: 11023514, PS3_supporting). The variant has been reported to segregate with SCID in 3 affected members from 2 families (PP1_strong). In summary, this variant meets the criteria to be classified as a Likely Pathogenic variant for autosomal recessive severe combined immunodeficiency due to IL7R deficiency based on the ACMG/AMP criteria applied, as specified by the ClinGen SCID VCEP: PM2_Supporting,PM3_met,PP4_met,PS3_supporting,PP1_strong(VCEP specifications version 1).

OMIM
Classification: Pathogenic for IMMUNODEFICIENCY 104, SEVERE COMBINED. Last evaluated: 2000-10-15. Review status: no assertion criteria provided. Collection method: literature only. Allele origin: germline. Not counted in ClinVar's aggregate classification.

Literature cited by the submitters: PubMed 11023514 (cited by OMIM).